The following is an entry in ClinVar:

NM_001165963.4(SCN1A):c.3852del (p.Trp1284fs)

Genes: SCN1A (sodium voltage-gated channel alpha subunit 1; minus strand), LOC102724058 (uncharacterized LOC102724058; plus strand). Cytogenetic location: 2q24.3.
Variant type: Deletion.
Coding change: c.3852del on transcript NM_001165963.4 (MANE Select); coding-DNA position 3852, one base deleted (G; older notation c.3852delG).
Protein change: p.Trp1284fs; shifts the reading frame from tryptophan 1284.
Molecular consequence: frameshift variant. On other transcripts: non-coding transcript variant (1).
Genome position (GRCh38, 1-based): chr2:166,012,136, C deleted on the plus strand (G on the coding strand, the reverse complement: SCN1A is on the minus strand); the first of 2 consecutive C bases (chr2:166,012,136-166,012,137); deleting either gives the same sequence. VCF-style (leftmost placement, unchanged base first): chr2-166012135-AC-A. GRCh37 (hg19) VCF-style: chr2-166868645-AC-A.
Other names: c.3768del, p.Trp1256fs (NM_001165964.3, NM_001353957.2, NM_001353958.2); c.3852del, p.Trp1284fs (NM_001202435.3, NM_001353948.2); c.3819del, p.Trp1273fs (NM_001353949.2, NM_001353950.2, NM_001353951.2 and 2 more transcripts); c.3816del, p.Trp1272fs (NM_001353954.2, NM_001353955.2); c.3765del, p.Trp1255fs (NM_001353960.2); c.1410del, p.Trp470fs (NM_001353961.2); short protein forms W1273fs, W470fs, W1255fs, W1256fs, W1272fs, W1284fs.
Identifiers: ClinVar variation 217245 (VCV000217245.2), dbSNP rs863225034, ClinGen allele CA325456.

ClinVar aggregate classification (germline): Pathogenic. Review status: criteria provided, multiple submitters, no conflicts (2 of 4 stars). 2 submissions from 2 submitters: Pathogenic (2). Last evaluated 2025-04-23.

Conditions:
Severe myoclonic epilepsy in infancy (DRVT). Also called: Epileptic encephalopathy, early infantile, 6 (Dravet syndrome); Severe Myoclonic Epilepsy in Infancy (SMEI); Dravet syndrome; SEVERE MYOCLONIC EPILEPSY OF INFANCY; DEVELOPMENTAL AND EPILEPTIC ENCEPHALOPATHY 6A. Identifiers: Orphanet 33069, MedGen C0751122, MONDO:0100135, OMIM 607208.

Submissions (2):

GeneDx
Classification: Pathogenic. Last evaluated: 2025-04-23. Review status: criteria provided, single submitter. Criteria: GeneDx Variant Classification Process June 2021. Collection method: clinical testing. Allele origin: germline. Affected: yes.
Comment: Frameshift variant predicted to result in protein truncation or nonsense mediated decay in a gene for which loss of function is a known mechanism of disease; Not observed at significant frequency in large population cohorts (gnomAD); This variant is associated with the following publications: (PMID: 22071555, 35074891)

Athena Diagnostics
Classification: Pathogenic for Severe myoclonic epilepsy in infancy. Last evaluated: 2012-08-16. Review status: criteria provided, single submitter. Criteria: Athena Diagnostics Criteria. Collection method: clinical testing. Allele origin: germline. Inheritance: Autosomal dominant inheritance.

Literature cited by the submitters: PubMed 22071555 (cited by Athena Diagnostics).